The following is an entry in ClinVar:

NM_001105244.2(PTPRM):c.117T>A (p.Ser39Arg)

Gene: PTPRM (protein tyrosine phosphatase receptor type M; plus strand). Cytogenetic location: 18p11.23.
Variant type: single nucleotide variant.
Coding change: c.117T>A on transcript NM_001105244.2 (MANE Select); coding-DNA position 117, T replaced by A.
Protein change: p.Ser39Arg; replaces serine 39 with arginine.
Molecular consequence: missense variant.
Genome position (GRCh38, 1-based): chr18:7,774,192, T>A. VCF-style: chr18-7774192-T-A. GRCh37 (hg19) VCF-style: chr18-7774190-T-A.
Other names: c.117T>A, p.Ser39Arg (NM_002845.4); short protein forms S39R.
Identifiers: ClinVar variation 773336 (VCV000773336.7), dbSNP rs35224276, ClinGen allele CA8883776.

ClinVar aggregate classification (germline): Benign. Review status: criteria provided, multiple submitters, no conflicts (2 of 4 stars). 3 submissions from 3 submitters: Benign (2). 1 of the submissions does not count toward it. Last evaluated 2019-12-31.

Conditions:
PTPRM-related disorder. Also called: PTPRM-related condition.

Allele frequency attached by ClinVar (database versions not stated): gnomAD exomes 0.00564; ExAC 0.00629; gnomAD 0.01987 and 0.02152; 1000 Genomes Project 0.02177; ESP Exome Variant Server 0.02199; 1000 Genomes Project 30x 0.02295; TOPMed 0.02295.
gnomAD v4.1: 6,443 of 1,612,842 alleles (0.4%); highest among the groups gnomAD compares: African/African-American, 7.1%; 192 homozygotes.

Submissions (3):

Labcorp Genetics (formerly Invitae), Labcorp
Classification: Benign. Last evaluated: 2019-12-31. Review status: criteria provided, single submitter. Criteria: Invitae Variant Classification Sherloc (09022015). Collection method: clinical testing. Allele origin: germline.

Breakthrough Genomics
Classification: Benign. Review status: criteria provided, single submitter. Criteria: ACMG Guidelines, 2015. Collection method: not provided. Allele origin: germline. Inheritance: Unknown mechanism. Affected: yes.

PreventionGenetics, part of Exact Sciences
Classification: Benign for PTPRM-related condition. Last evaluated: 2020-02-17. Review status: no assertion criteria provided. Collection method: clinical testing. Allele origin: germline. Not counted in ClinVar's aggregate classification.
Comment: This variant is classified as benign based on ACMG/AMP sequence variant interpretation guidelines (Richards et al. 2015 PMID: 25741868, with internal and published modifications).